The following is an entry in ClinVar:

NC_000009.12:g.35658073T>G

Gene: RMRP (RNA component of mitochondrial RNA processing endoribonuclease; minus strand). Cytogenetic location: 9p13.3.
Variant type: single nucleotide variant.
Genome position: GRCh38 VCF-style: chr9-35658073-T-G. GRCh37 (hg19) VCF-style: chr9-35658070-T-G.
Identifiers: ClinVar variation 2153892 (VCV002153892.1), dbSNP rs12551232, ClinGen allele CA587570281.

ClinVar aggregate classification (germline): Uncertain significance (1 of 4 stars; one submission).

Conditions:
Anauxetic dysplasia. Identifiers: Orphanet 93347, MedGen C1846796, MONDO:0011773.

Submission:

Labcorp Genetics (formerly Invitae), Labcorp
Classification: Uncertain significance for Anauxetic dysplasia. Last evaluated: 2022-04-13. Review status: criteria provided, single submitter. Criteria: Invitae Variant Classification Sherloc (09022015). Collection method: clinical testing. Allele origin: germline.
Comment: This variant occurs in the RMRP gene, which encodes an RNA molecule that does not result in a protein product. This variant is present in population databases (no rsID available, gnomAD 0.06%). This variant has not been reported in the literature in individuals affected with RMRP-related conditions. Experimental studies and prediction algorithms are not available or were not evaluated, and the functional significance of this variant is currently unknown. In summary, the available evidence is currently insufficient to determine the role of this variant in disease. Therefore, it has been classified as a Variant of Uncertain Significance.